The following is an entry in ClinVar:

NM_000179.3(MSH6):c.3170T>A (p.Leu1057Ter)

Gene: MSH6 (mutS homolog 6; plus strand). Cytogenetic location: 2p16.3.
Variant type: single nucleotide variant.
Coding change: c.3170T>A on transcript NM_000179.3 (MANE Select); coding-DNA position 3170, T replaced by A.
Protein change: p.Leu1057Ter; replaces leucine 1057 with a stop codon.
Molecular consequence: nonsense.
Genome position (GRCh38, 1-based): chr2:47,801,153, T>A. VCF-style: chr2-47801153-T-A. GRCh37 (hg19) VCF-style: chr2-48028292-T-A.
Other names: c.2780T>A, p.Leu927Ter (NM_001281492.2); c.2264T>A, p.Leu755Ter (NM_001281493.2, NM_001281494.2); short protein forms L1057*, L927*, L755*.
Identifiers: ClinVar variation 1454345 (VCV001454345.8), dbSNP rs778741297, ClinGen allele CA346756746.

ClinVar aggregate classification (germline): Pathogenic/Likely pathogenic. Review status: criteria provided, multiple submitters, no conflicts (2 of 4 stars). 3 submissions from 3 submitters: Pathogenic (2); Likely pathogenic (1). Last evaluated 2023-08-22.

Conditions:
Endometrial carcinoma. Also called: Endometrial carcinoma, somatic. Identifiers: MedGen C0476089, MONDO:0002447, OMIM 608089, HP:0012114.
Lynch syndrome 5 (LYNCH5). Also called: Colorectal cancer, hereditary nonpolyposis, type 5; Hereditary non-polyposis colorectal cancer, type 5. Identifiers: Orphanet 144, MedGen C1833477, MONDO:0013710, OMIM 614350. Disease mechanism: loss of function.
Hereditary nonpolyposis colorectal neoplasms. Identifiers: MedGen C0009405, MeSH D003123.

Submissions (3):

Myriad Genetics, Inc.
Classification: Pathogenic for Lynch syndrome 5. Last evaluated: 2023-08-22. Review status: criteria provided, single submitter. Criteria: Myriad Autosomal Dominant, Autosomal Recessive and X-Linked Classification Criteria (2023). Collection method: clinical testing. Allele origin: unknown.
Comment: This variant is considered pathogenic. This variant creates a termination codon and is predicted to result in premature protein truncation.

Labcorp Genetics (formerly Invitae), Labcorp
Classification: Pathogenic for Hereditary nonpolyposis colorectal neoplasms. Last evaluated: 2022-07-11. Review status: criteria provided, single submitter. Criteria: Invitae Variant Classification Sherloc (09022015). Collection method: clinical testing. Allele origin: germline.
Comment: For these reasons, this variant has been classified as Pathogenic. ClinVar contains an entry for this variant (Variation ID: 1454345). This variant has not been reported in the literature in individuals affected with MSH6-related conditions. This variant is not present in population databases (gnomAD no frequency). This sequence change creates a premature translational stop signal (p.Leu1057*) in the MSH6 gene. It is expected to result in an absent or disrupted protein product. Loss-of-function variants in MSH6 are known to be pathogenic (PMID: 18269114, 24362816).

Baylor Genetics
Classification: Likely pathogenic for Endometrial carcinoma. Last evaluated: 2021-04-05. Review status: criteria provided, single submitter. Criteria: ACMG Guidelines, 2015. Collection method: clinical testing. Allele origin: unknown.

Literature cited by the submitters: PubMed 18269114 (cited by Labcorp Genetics (formerly Invitae), Labcorp); PubMed 24362816 (cited by Labcorp Genetics (formerly Invitae), Labcorp).